The following is an entry in ClinVar:

ClinVar aggregate classification (germline): Uncertain significance (1 of 4 stars; one submission).

Conditions:
Hereditary cancer-predisposing syndrome. Also called: Neoplastic Syndromes, Hereditary; Tumor predisposition; Hereditary Cancer Syndrome; Hereditary neoplastic syndrome. Identifiers: Orphanet 140162, MedGen C0027672, MeSH D009386, MONDO:0015356.

Submission:

Ambry Genetics
Classification: Uncertain significance for Hereditary cancer-predisposing syndrome. Last evaluated: 2025-12-23. Review status: criteria provided, single submitter. Criteria: Ambry Variant Classification Scheme 2023. Collection method: clinical testing. Allele origin: germline.
Comment: The p.G1319R variant (also known as c.3955G>C), located in coding exon 9 of the BRCA1 gene, results from a G to C substitution at nucleotide position 3955. The glycine at codon 1319 is replaced by arginine, an amino acid with dissimilar properties. This amino acid position is poorly conserved in available vertebrate species. In addition, the in silico prediction for this alteration is inconclusive. Based on the available evidence, the clinical significance of this variant remains unclear.

NM_007294.4(BRCA1):c.3955G>C (p.Gly1319Arg)

Genes: BRCA1 (BRCA1 DNA repair associated; minus strand), LOC126862571 (BRD4-independent group 4 enhancer GRCh37_chr17:41243136-41244335; plus strand). Cytogenetic location: 17q21.31.
Variant type: single nucleotide variant.
Coding change: c.3955G>C on transcript NM_007294.4 (MANE Select); coding-DNA position 3955, G replaced by C.
Protein change: p.Gly1319Arg; replaces glycine 1319 with arginine.
Molecular consequence: missense variant. On other transcripts: intron variant (135).
Genome position (GRCh38, 1-based): chr17:43,091,576, C>G on the plus strand (G>C on the coding strand, the complement: BRCA1 is on the minus strand). VCF-style: chr17-43091576-C-G. GRCh37 (hg19) VCF-style: chr17-41243593-C-G.
Other names: c.3745G>C, p.Gly1249Arg (NM_001407904.1, NM_001407906.1, NM_001407907.1 and 13 more transcripts); c.3742G>C, p.Gly1248Arg (NM_001407915.1, NM_001407916.1, NM_001407917.1 and 9 more transcripts); c.3832G>C, p.Gly1278Arg (NM_001407919.1, NM_001407937.1, NM_001407938.1 and 19 more transcripts); c.3691G>C, p.Gly1231Arg (NM_001407920.1, NM_001407921.1, NM_001407922.1 and 9 more transcripts); c.3688G>C, p.Gly1230Arg (NM_001407930.1, NM_001407931.1, NM_001407932.1 and 2 more transcripts); c.3829G>C, p.Gly1277Arg (NM_001407940.1, NM_001407941.1, NM_001407649.1 and 11 more transcripts); c.3814G>C, p.Gly1272Arg (NM_001407942.1, NM_001407944.1, NM_001407945.1 and 29 more transcripts); c.3811G>C, p.Gly1271Arg (NM_001407943.1, NM_001407740.1, NM_001407741.1 and 20 more transcripts); and 41 more; short protein forms G1252R, G1292R, G1151R, G1230R, G1231R, G1251R, G1271R, G1272R.
Identifiers: ClinVar variation 4842654 (VCV004842654.1).